The following is an entry in ClinVar:

ClinVar aggregate classification (germline): Uncertain significance (1 of 4 stars; one submission).

Conditions:
Polycystic kidney disease 2 (PKD2). Also called: POLYCYSTIC KIDNEY DISEASE, ADULT, TYPE II; Polycystic Kidney Disease 2, Autosomal Dominant; POLYCYSTIC KIDNEY DISEASE 2 WITH OR WITHOUT POLYCYSTIC LIVER DISEASE. Identifiers: MedGen C2751306, MONDO:0013131, OMIM 613095.

Submission:

Victorian Clinical Genetics Services, Murdoch Childrens Research Institute
Classification: Uncertain significance for Polycystic kidney disease 2. Last evaluated: 2024-10-25. Review status: criteria provided, single submitter. Criteria: ACMG Guidelines, 2015. Collection method: clinical testing. Allele origin: germline. Affected: yes.
Comment: This variant is classified as VUS-3A. Evidence in support of pathogenic classification: Variant is absent from gnomAD (v2, v3 and v4); Other missense variants comparable to the one identified in this case have moderate previous evidence for pathogenicity. p.(Tyr348Phe) and p.(Tyr348Asn) have been reported in the literature in individuals with ADPKD (PMIDs: 32582798, 35778421). p.(Tyr348Cys) has been classified as a VUS by a diagnostic laboratory in ClinVar; Missense variant consistently predicted to be damaging by in silico tool or highly conserved with a major amino acid change. Additional information: Variant is predicted to result in a missense amino acid change from tyrosine to serine; This variant is heterozygous; This gene is associated with autosomal dominant disease; This variant has no previous evidence of pathogenicity; No published segregation evidence has been identified for this variant; No published functional evidence has been identified for this variant; Variant is located in the annotated polycystin domain (DECIPHER); Loss of function is a known mechanism of disease in this gene and is associated with polycystic kidney disease 2 (MIM#613095); Inheritance information for this variant is not currently available in this individual.

Literature cited by the submitters: PubMed 32582798; PubMed 35778421.

NM_000297.4(PKD2):c.1043A>C (p.Tyr348Ser)

Gene: PKD2 (polycystin 2, transient receptor potential cation channel; plus strand). Cytogenetic location: 4q22.1.
Variant type: single nucleotide variant.
Coding change: c.1043A>C on transcript NM_000297.4 (MANE Select); coding-DNA position 1043, A replaced by C.
Protein change: p.Tyr348Ser; replaces tyrosine 348 with serine.
Molecular consequence: missense variant. On other transcripts: non-coding transcript variant (1).
Genome position (GRCh38, 1-based): chr4:88,038,450, A>C. VCF-style: chr4-88038450-A-C. GRCh37 (hg19) VCF-style: chr4-88959602-A-C.
Other names: c.1043A>C, p.Tyr348Ser (NM_001440544.1); short protein forms Y348S.
Identifiers: ClinVar variation 4531950 (VCV004531950.1).